The following is an entry in ClinVar:

ClinVar aggregate classification (germline): Uncertain significance. Review status: criteria provided, multiple submitters, no conflicts (2 of 4 stars). 2 submissions from 2 submitters: Uncertain significance (2). Last evaluated 2023-12-01.

Conditions:
Charcot-Marie-Tooth disease type 4. Also called: Charcot-Marie-Tooth, Type 4; Charcot-Marie-Tooth disease, type IV. Identifiers: Orphanet 64749, MedGen C4082197, MONDO:0018995.
Inborn genetic diseases. Identifiers: MedGen C0950123, MeSH D030342.

Submissions (2):

Labcorp Genetics (formerly Invitae), Labcorp
Classification: Uncertain significance for Charcot-Marie-Tooth disease type 4. Last evaluated: 2023-12-01. Review status: criteria provided, single submitter. Criteria: Invitae Variant Classification Sherloc (09022015). Collection method: clinical testing. Allele origin: germline.
Comment: This sequence change replaces proline, which is neutral and non-polar, with arginine, which is basic and polar, at codon 707 of the PRX protein (p.Pro707Arg). This variant is present in population databases (no rsID available, gnomAD 0.0009%). This variant has not been reported in the literature in individuals affected with PRX-related conditions. Advanced modeling of protein sequence and biophysical properties (such as structural, functional, and spatial information, amino acid conservation, physicochemical variation, residue mobility, and thermodynamic stability) has been performed at Invitae for this missense variant, however the output from this modeling did not meet the statistical confidence thresholds required to predict the impact of this variant on PRX protein function. In summary, the available evidence is currently insufficient to determine the role of this variant in disease. Therefore, it has been classified as a Variant of Uncertain Significance.

Ambry Genetics
Classification: Uncertain significance for Inborn genetic diseases. Last evaluated: 2023-08-18. Review status: criteria provided, single submitter. Criteria: Ambry Variant Classification Scheme 2023. Collection method: clinical testing. Allele origin: germline.

NM_181882.3(PRX):c.2120C>G (p.Pro707Arg)

Gene: PRX (periaxin; minus strand). Cytogenetic location: 19q13.2.
Variant type: single nucleotide variant.
Coding change: c.2120C>G on transcript NM_181882.3 (MANE Select); coding-DNA position 2120, C replaced by G.
Protein change: p.Pro707Arg; replaces proline 707 with arginine.
Molecular consequence: missense variant. On other transcripts: 3 prime UTR variant (1).
Genome position (GRCh38, 1-based): chr19:40,396,232, G>C on the plus strand (C>G on the coding strand, the complement: PRX is on the minus strand). VCF-style: chr19-40396232-G-C. GRCh37 (hg19) VCF-style: chr19-40902139-G-C.
Other names: c.2405C>G, p.Pro802Arg (NM_001411127.1); c.*2325C>G (NM_020956.2); short protein forms P707R, P802R.
Identifiers: ClinVar variation 2599736 (VCV002599736.5), dbSNP rs1179794603, ClinGen allele CA405896965.